The following is an entry in ClinVar:

ClinVar aggregate classification (germline): Conflicting classifications of pathogenicity. Review status: criteria provided, conflicting classifications (1 of 4 stars). 6 submissions from 6 submitters: Uncertain significance (1); Benign (1); Likely benign (3). 1 of the submissions does not count toward it. Last evaluated 2025-04-22.

Conditions:
Breast-ovarian cancer, familial, susceptibility to, 2 (BROVCA2). Also called: BRCA2 Hereditary Breast and Ovarian Cancer. Identifiers: Orphanet 145, MedGen C2675520, MONDO:0012933, OMIM 612555. Disease mechanism: loss of function.
Hereditary breast ovarian cancer syndrome. Also called: Hereditary breast and ovarian cancer syndrome (HBOC); Breast and ovarian cancer; Hereditary breast and ovarian cancer syndrome; Hereditary breast and ovarian cancer; BRCA1- and BRCA2-Associated Hereditary Breast and Ovarian Cancer; Hereditary breast and/or ovarian cancer syndrome. Identifiers: Orphanet 145, MedGen C0677776, MeSH D061325, MONDO:0003582. Disease mechanism: loss of function.
Breast-ovarian cancer, familial, susceptibility to, 1 (BROVCA1). Also called: BRCA1 Hereditary Breast and Ovarian Cancer; OVARIAN CANCER, SUSCEPTIBILITY TO. Identifiers: Orphanet 145, MedGen C2676676, MONDO:0011450, OMIM 604370. Disease mechanism: loss of function.
Hereditary cancer-predisposing syndrome. Also called: Hereditary Cancer Syndrome; Neoplastic Syndromes, Hereditary; Hereditary neoplastic syndrome; Tumor predisposition. Identifiers: Orphanet 140162, MedGen C0027672, MeSH D009386, MONDO:0015356.

Allele frequency attached by ClinVar (database versions not stated): gnomAD exomes below 0.00001; TOPMed below 0.00001; ExAC 0.00001; gnomAD 0.00001.

Submissions (6):

Women's Health and Genetics/Laboratory Corporation of America, LabCorp
Classification: Likely benign. Last evaluated: 2025-04-22. Review status: criteria provided, single submitter. Criteria: LabCorp Variant Classification Summary - May 2015. Collection method: clinical testing. Allele origin: germline.
Comment: Variant summary: BRCA2 c.7806-6delG alters a nucleotide located at a position not widely known to affect splicing. Consensus agreement among computation tools predict no significant impact on normal splicing. However, these predictions have yet to be confirmed by functional studies. The variant allele was found at a frequency of 4e-06 in 250706 control chromosomes. The available data on variant occurrences in the general population are insufficient to allow any conclusion about variant significance. To our knowledge, no occurrence of c.7806-6delG in individuals affected with Hereditary Breast And Ovarian Cancer Syndrome and no experimental evidence demonstrating its impact on protein function have been reported. ClinVar contains an entry for this variant (Variation ID: 252848). Based on the evidence outlined above, the variant was classified as likely benign.

Institute of Immunology and Genetics Kaiserslautern
Classification: Uncertain significance for Breast-ovarian cancer, familial, susceptibility to, 1. Last evaluated: 2024-10-29. Review status: criteria provided, single submitter. Criteria: ACMG Guidelines, 2015. Collection method: clinical testing. Allele origin: germline. Affected: yes.
Comment: ACMG Criteria: PM2_p; Variant was found in heterozygous state

Labcorp Genetics (formerly Invitae), Labcorp
Classification: Likely benign for Hereditary breast ovarian cancer syndrome. Last evaluated: 2024-08-15. Review status: criteria provided, single submitter. Criteria: Invitae Variant Classification Sherloc (09022015). Collection method: clinical testing. Allele origin: germline.

Color Diagnostics, LLC DBA Color Health
Classification: Likely benign for Hereditary cancer-predisposing syndrome. Last evaluated: 2016-12-12. Review status: criteria provided, single submitter. Criteria: ACMG Guidelines, 2015. Collection method: clinical testing. Allele origin: germline.

GeneDx
Classification: Benign. Last evaluated: 2015-07-20. Review status: criteria provided, single submitter. Criteria: GeneDx Variant Classification Process June 2021. Collection method: clinical testing. Allele origin: germline. Affected: yes.

Sharing Clinical Reports Project (SCRP)
Classification: Uncertain significance for Breast-ovarian cancer, familial 2. Last evaluated: 2010-06-08. Review status: no assertion criteria provided. Collection method: clinical testing. Allele origin: germline. Not counted in ClinVar's aggregate classification.

NM_000059.4(BRCA2):c.7806-6del

Gene: BRCA2 (BRCA2 DNA repair associated; plus strand). Cytogenetic location: 13q13.1.
Variant type: Deletion.
Coding change: c.7806-6del on transcript NM_000059.4 (MANE Select); 6 bases into the intron before coding-DNA position 7806, one base deleted (G; older notation c.7806-6delG).
Molecular consequence: intron variant.
Genome position (GRCh38, 1-based): chr13:32,362,517, G deleted. VCF-style (leftmost placement, unchanged base first): chr13-32362516-TG-T. GRCh37 (hg19) VCF-style: chr13-32936653-TG-T.
Other names: IVS16-6delG; c.7806-6delG (NM_000059.3, NM_000059.4).
Identifiers: ClinVar variation 252848 (VCV000252848.20), dbSNP rs764374133, ClinGen allele CA6941160.